The following is an entry in ClinVar:

ClinVar aggregate classification (germline): Uncertain significance. Review status: criteria provided, multiple submitters, no conflicts (2 of 4 stars). 4 submissions from 4 submitters: Uncertain significance (4). Last evaluated 2025-06-07.

Conditions:
Brachydactyly type B1 (BDB1). Identifiers: Orphanet 572385, Orphanet 93383, MedGen C1862112, MONDO:0007220, OMIM 113000.
Autosomal recessive Robinow syndrome (RRS1). Also called: ROR2-Related Robinow Syndrome; COSTOVERTEBRAL SEGMENTATION DEFECT WITH MESOMELIA; COVESDEM SYNDROME; ROBINOW SYNDROME, AUTOSOMAL RECESSIVE 1. Identifiers: Orphanet 1507, Orphanet 97360, MedGen C5399974, MONDO:0009999, OMIM 268310.
Inborn genetic diseases. Identifiers: MedGen C0950123, MeSH D030342.

Allele frequency attached by ClinVar (database versions not stated): gnomAD 0.00001 and 0.00002; TOPMed 0.00001; gnomAD exomes 0.00002 and 0.00004; ExAC 0.00003; ESP Exome Variant Server 0.00008.
gnomAD v4.1: 57 of 1,613,720 alleles (0.0035%); highest among the groups gnomAD compares: Non-Finnish European, 0.0047%; no homozygotes.

Submissions (4):

Ambry Genetics
Classification: Uncertain significance for Inborn genetic diseases. Last evaluated: 2025-06-07. Review status: criteria provided, single submitter. Criteria: Ambry Variant Classification Scheme 2023. Collection method: clinical testing. Allele origin: germline.

Labcorp Genetics (formerly Invitae), Labcorp
Classification: Uncertain significance. Last evaluated: 2023-02-08. Review status: criteria provided, single submitter. Criteria: Invitae Variant Classification Sherloc (09022015). Collection method: clinical testing. Allele origin: germline.
Comment: Advanced modeling of protein sequence and biophysical properties (such as structural, functional, and spatial information, amino acid conservation, physicochemical variation, residue mobility, and thermodynamic stability) performed at Invitae indicates that this missense variant is not expected to disrupt ROR2 protein function. This sequence change replaces arginine, which is basic and polar, with glutamine, which is neutral and polar, at codon 441 of the ROR2 protein (p.Arg441Gln). This variant is present in population databases (rs142993413, gnomAD 0.006%). This variant has not been reported in the literature in individuals affected with ROR2-related conditions. ClinVar contains an entry for this variant (Variation ID: 547044). In summary, the available evidence is currently insufficient to determine the role of this variant in disease. Therefore, it has been classified as a Variant of Uncertain Significance.

Fulgent Genetics
Classification: Uncertain significance for Brachydactyly type B1; Autosomal recessive Robinow syndrome. Last evaluated: 2022-03-22. Review status: criteria provided, single submitter. Criteria: ACMG Guidelines, 2015. Collection method: clinical testing. Allele origin: unknown.

CeGaT Center for Human Genetics Tuebingen
Classification: Uncertain significance. Last evaluated: 2018-01-01. Review status: criteria provided, single submitter. Criteria: CeGaT Center For Human Genetics Tuebingen Variant Classification Criteria Version 2. Collection method: clinical testing. Allele origin: germline. Affected: yes. Observed: 1 variant allele.

NM_004560.4(ROR2):c.1322G>A (p.Arg441Gln)

Gene: ROR2 (ROR family WNT receptor 2; minus strand). Cytogenetic location: 9q22.31.
Variant type: single nucleotide variant.
Coding change: c.1322G>A on transcript NM_004560.4 (MANE Select); coding-DNA position 1322, G replaced by A.
Protein change: p.Arg441Gln; replaces arginine 441 with glutamine.
Molecular consequence: missense variant.
Genome position (GRCh38, 1-based): chr9:91,726,605, C>T on the plus strand (G>A on the coding strand, the complement: ROR2 is on the minus strand). VCF-style: chr9-91726605-C-T. GRCh37 (hg19) VCF-style: chr9-94488887-C-T.
Other names: c.1322G>A (NM_004560.3); c.1288G>A, p.Gly430Ser (NM_001318204.2); short protein forms R441Q, G430S.
Identifiers: ClinVar variation 547044 (VCV000547044.50), dbSNP rs142993413, ClinGen allele CA5120725.